The following is an entry in ClinVar:

ClinVar aggregate classification (germline): Pathogenic. Review status: reviewed by expert panel (3 of 4 stars). 2 submissions from 2 submitters: Pathogenic (1). 1 of the submissions does not count toward it. Last evaluated 2025-01-08.

Conditions:
Autosomal recessive limb-girdle muscular dystrophy. Identifiers: Orphanet 102015, MedGen C2931907, MONDO:0015152.
Miyoshi muscular dystrophy 1 (MMD1). Identifiers: Orphanet 45448, MedGen C4551973, MONDO:0024545, OMIM 254130.

Allele frequency attached by ClinVar (database versions not stated): gnomAD exomes below 0.00001.
gnomAD v4.1: 1 of 1,614,072 alleles (0.000062%); highest among the groups gnomAD compares: Non-Finnish European, 0.000085%; no homozygotes.

Submissions (2):

ClinGen Limb Girdle Muscular Dystrophy Variant Curation Expert Panel, ClinGen
Classification: Pathogenic for Autosomal recessive limb-girdle muscular dystrophy. Last evaluated: 2025-01-08. Review status: reviewed by expert panel. Criteria: ClinGen LGMD VCEP ACMG Specifications DYSF V1.0.0. Collection method: curation. Allele origin: germline. Inheritance: Autosomal recessive inheritance.
Comment: The NM_003494.4: c.5860G>T p.(Glu1954Ter) variant in DYSF, which is also known as NM_001130987.2: c.5977G>T p.(Glu1993Ter), is a nonsense variant predicted to cause a premature stop codon in biologically relevant exon 52/55, leading to nonsense mediated decay in a gene in which loss of function is an established disease mechanism (PVS1). This variant has been confirmed in trans with a pathogenic variant in an individual with LGMD (c.857T>A (p.Val286Glu), 1.0 pt, PMID: 33927379) (PM3). This individual displayed progressive limb-girdle muscle weakness and absent dysferlin protein expression, which is highly specific for DYSF-associated LGMD (PP4_Strong). This variant is absent from gnomAD v2.1.1 and v3.1.2 (PM2_Supporting). In summary, this variant meets the criteria to be classified as Pathogenic for autosomal recessive limb girdle muscular dystrophy based on the ACMG/AMP criteria applied, as specified by the ClinGen LGMD VCEP (LGMD VCEP specifications version 1.0.0; 01/08/2025): PVS1, PM3, PP4_Strong, PM2_Supporting.

Baylor Genetics
Classification: Pathogenic for Miyoshi muscular dystrophy 1. Last evaluated: 2023-02-16. Review status: criteria provided, single submitter. Criteria: ACMG Guidelines, 2015. Collection method: clinical testing. Allele origin: unknown. Not counted in ClinVar's aggregate classification.

NM_001130987.2(DYSF):c.5977G>T (p.Glu1993Ter)

Gene: DYSF (dysferlin; plus strand). Cytogenetic location: 2p13.2.
Variant type: single nucleotide variant.
Coding change: c.5977G>T on transcript NM_001130987.2 (MANE Select); coding-DNA position 5977, G replaced by T.
Protein change: p.Glu1993Ter; replaces glutamic acid 1993 with a stop codon.
Molecular consequence: nonsense.
Genome position (GRCh38, 1-based): chr2:71,679,149, G>T. VCF-style: chr2-71679149-G-T. GRCh37 (hg19) VCF-style: chr2-71906279-G-T.
Other names: NM_001130987.2(DYSF):c.5977G>T; p.Glu1993Ter; c.5926G>T, p.Glu1976Ter (NM_001130983.2); c.5884G>T, p.Glu1962Ter (NM_001130984.2); c.5974G>T, p.Glu1992Ter (NM_001130981.2); c.5956G>T, p.Glu1986Ter (NM_001130982.2); c.5863G>T, p.Glu1955Ter (NM_001130455.2); c.5818G>T, p.Glu1940Ter (NM_001130976.2); and 7 more; short protein forms E1940*, E1941*, E1954*, E1955*, E1961*, E1962*, E1971*, E1972*.
Identifiers: ClinVar variation 2674990 (VCV002674990.2), dbSNP rs1356633122, ClinGen allele CA347226407.